The following is an entry in ClinVar:

ClinVar aggregate classification (germline): Uncertain significance (1 of 4 stars; one submission).

Submission:

GeneDx
Classification: Uncertain significance. Last evaluated: 2023-03-13. Review status: criteria provided, single submitter. Criteria: GeneDx Variant Classification Process June 2021. Collection method: clinical testing. Allele origin: germline. Affected: yes.
Comment: Not observed at significant frequency in large population cohorts (gnomAD); In silico analysis supports that this missense variant does not alter protein structure/function; Has not been previously published as pathogenic or benign to our knowledge

NM_001005271.3(CHD3):c.139G>T (p.Asp47Tyr)

Genes: CHD3 (chromodomain helicase DNA binding protein 3; plus strand), NAA38 (N-alpha-acetyltransferase 38, NatC auxiliary subunit; minus strand). Cytogenetic location: 17p13.1.
Variant type: single nucleotide variant.
Coding change: c.139G>T on transcript NM_001005271.3; coding-DNA position 139, G replaced by T.
Protein change: p.Asp47Tyr; replaces aspartic acid 47 with tyrosine.
Molecular consequence: missense variant. On other transcripts: intron variant (1).
Genome position (GRCh38, 1-based): chr17:7,884,945, G>T. VCF-style: chr17-7884945-G-T. GRCh37 (hg19) VCF-style: chr17-7788263-G-T.
Other names: c.139G>T, p.Asp47Tyr (NM_001437504.1, NM_001437507.1, NM_001437508.1 and 1 more transcripts); c.-167+220C>A (NM_001330111.2); short protein forms D47Y.
Identifiers: ClinVar variation 2580031 (VCV002580031.1), dbSNP rs2544591695, ClinGen allele CA397933599.